The following is an entry in ClinVar:

ClinVar aggregate classification (germline): Uncertain significance. Review status: criteria provided, multiple submitters, no conflicts (2 of 4 stars). 2 submissions from 2 submitters: Uncertain significance (2). Last evaluated 2026-02-01.

Conditions:
Diamond-Blackfan anemia 8 (DBA8). Also called: RPS7-Related Diamond-Blackfan Anemia. Identifiers: Orphanet 124, MedGen C2675511, MONDO:0012939, OMIM 612563.

Allele frequency attached by ClinVar (database versions not stated): gnomAD 0.00001 and 0.00002; TOPMed 0.00002; gnomAD exomes 0.00004 and 0.00005; ExAC 0.00005; ESP Exome Variant Server 0.00008.
gnomAD v4.1: 74 of 1,613,364 alleles (0.0046%); highest among the groups gnomAD compares: South Asian, 0.013%; no homozygotes.

Submissions (2):

Labcorp Genetics (formerly Invitae), Labcorp
Classification: Uncertain significance for Diamond-Blackfan anemia 8. Last evaluated: 2026-02-01. Review status: criteria provided, single submitter. Criteria: Invitae Variant Classification Sherloc (09022015). Collection method: clinical testing. Allele origin: germline.
Comment: This sequence change replaces valine, which is neutral and non-polar, with isoleucine, which is neutral and non-polar, at codon 146 of the RPS7 protein (p.Val146Ile). This variant is present in population databases (rs367770078, gnomAD 0.02%). This variant has not been reported in the literature in individuals affected with RPS7-related conditions. ClinVar contains an entry for this variant (Variation ID: 1357068). An algorithm developed to predict the effect of missense changes on protein structure and function (PolyPhen-2) suggests that this variant is likely to be tolerated. In summary, the available evidence is currently insufficient to determine the role of this variant in disease. Therefore, it has been classified as a Variant of Uncertain Significance.

Revvity Omics, Revvity
Classification: Uncertain significance for Diamond-Blackfan anemia 8. Last evaluated: 2024-04-10. Review status: criteria provided, single submitter. Criteria: ACMG Guidelines, 2015. Collection method: clinical testing. Allele origin: germline.

NM_001011.4(RPS7):c.436G>A (p.Val146Ile)

Gene: RPS7 (ribosomal protein S7; plus strand). Cytogenetic location: 2p25.3.
Variant type: single nucleotide variant.
Coding change: c.436G>A on transcript NM_001011.4 (MANE Select); coding-DNA position 436, G replaced by A.
Protein change: p.Val146Ile; replaces valine 146 with isoleucine.
Molecular consequence: missense variant.
Genome position (GRCh38, 1-based): chr2:3,580,189, G>A. VCF-style: chr2-3580189-G-A. GRCh37 (hg19) VCF-style: chr2-3627779-G-A.
Other names: short protein forms V146I.
Identifiers: ClinVar variation 1357068 (VCV001357068.8), dbSNP rs367770078, ClinGen allele CA1516693.